The following is an entry in ClinVar:

NM_004766.3(COPB2):c.2023_2024delinsAC (p.Glu675Thr)

Gene: COPB2 (coat protein complex I subunit beta 2; minus strand). Cytogenetic location: 3q23.
Variant type: Indel.
Coding change: c.2023_2024delinsAC on transcript NM_004766.3 (MANE Select); coding-DNA positions 2023 to 2024, GA replaced by AC.
Protein change: p.Glu675Thr; replaces glutamic acid 675 with threonine.
Molecular consequence: missense variant. On other transcripts: non-coding transcript variant (1).
Genome position (GRCh38, 1-based): chr3:139,361,267-139,361,268, TC replaced by GT on the plus strand (GA replaced by AC on the coding strand, the reverse complement: COPB2 is on the minus strand). VCF-style: chr3-139361267-TC-GT. GRCh37 (hg19) VCF-style: chr3-139080109-TC-GT.
Other names: c.1936_1937delGAinsAC, p.Glu646Thr (NM_001410834.1); short protein forms E675T, E646T.
Identifiers: ClinVar variation 2090874 (VCV002090874.4), dbSNP rs2472883838, ClinGen allele CA2580068856.

ClinVar aggregate classification (germline): Uncertain significance (1 of 4 stars; one submission).

Submission:

Labcorp Genetics (formerly Invitae), Labcorp
Classification: Uncertain significance. Last evaluated: 2024-04-01. Review status: criteria provided, single submitter. Criteria: Invitae Variant Classification Sherloc (09022015). Collection method: clinical testing. Allele origin: germline.
Comment: This sequence change replaces glutamic acid, which is acidic and polar, with threonine, which is neutral and polar, at codon 675 of the COPB2 protein (p.Glu675Thr). Information on the frequency of this variant in the gnomAD database is not available, as this variant may be reported differently in the database. This variant has not been reported in the literature in individuals affected with COPB2-related conditions. ClinVar contains an entry for this variant (Variation ID: 2090874). An algorithm developed to predict the effect of missense changes on protein structure and function (PolyPhen-2) suggests that this variant is likely to be tolerated. In summary, the available evidence is currently insufficient to determine the role of this variant in disease. Therefore, it has been classified as a Variant of Uncertain Significance.